The following is an entry in ClinVar:

NM_203447.4(DOCK8):c.5442del (p.Val1813_Tyr1814insTer)

Gene: DOCK8 (dedicator of cytokinesis 8; plus strand). Cytogenetic location: 9p24.3.
Variant type: Deletion.
Coding change: c.5442del on transcript NM_203447.4 (MANE Select); coding-DNA position 5442, one base deleted (C; older notation c.5442delC).
Protein change: p.Val1813_Tyr1814insTer.
Molecular consequence: nonsense.
Genome position (GRCh38, 1-based): chr9:441,961, C deleted. VCF-style (leftmost placement, unchanged base first): chr9-441960-AC-A. GRCh37 (hg19) VCF-style: chr9-441960-AC-A.
Other names: c.5142del, p.Val1713_Tyr1714insTer (NM_001190458.2); c.5238del, p.Val1745_Tyr1746insTer (NM_001193536.2).
Identifiers: ClinVar variation 1027955 (VCV001027955.1), dbSNP rs2057107899, ClinGen allele CA1826902899.

ClinVar aggregate classification (germline): Pathogenic (1 of 4 stars; one submission).

Conditions:
Combined immunodeficiency due to DOCK8 deficiency (HIES2). Also called: Hyper-IgE recurrent infection syndrome, autosomal recessive; DOCK8 Deficiency; HYPER-IgE RECURRENT INFECTION SYNDROME 2, AUTOSOMAL RECESSIVE; HYPER-IgE SYNDROME 2, AUTOSOMAL RECESSIVE, WITH RECURRENT INFECTIONS; HIES autosomal recessive. Identifiers: Orphanet 217390, MedGen C4722305, MONDO:0009478, OMIM 243700.

Submission:

Baylor Genetics
Classification: Pathogenic for Combined immunodeficiency due to DOCK8 deficiency. Last evaluated: 2019-02-07. Review status: criteria provided, single submitter. Criteria: ACMG Guidelines, 2015. Collection method: clinical testing. Allele origin: paternal. Affected: yes.
Comment: This variant was determined to be pathogenic according to ACMG Guidelines, 2015 [PMID:25741868].